The following is an entry in ClinVar:

ClinVar aggregate classification (germline): Likely benign. Review status: reviewed by expert panel (3 of 4 stars). 10 submissions from 10 submitters: Likely benign (1). 9 of the submissions do not count toward it. Last evaluated 2013-09-05.

Conditions:
Hereditary nonpolyposis colorectal neoplasms. Identifiers: MedGen C0009405, MeSH D003123.
Hereditary cancer-predisposing syndrome. Also called: Hereditary Cancer Syndrome; Tumor predisposition; Neoplastic Syndromes, Hereditary; Hereditary neoplastic syndrome. Identifiers: Orphanet 140162, MedGen C0027672, MeSH D009386, MONDO:0015356.
Lynch syndrome. Identifiers: Orphanet 144, MedGen C4552100, MONDO:0005835. Disease mechanism: loss of function.

Allele frequency attached by ClinVar (database versions not stated): gnomAD 0.00001; gnomAD exomes 0.00001.
gnomAD v4.1: 12 of 1,442,836 alleles (0.00083%); highest among the groups gnomAD compares: Non-Finnish European, 0.0011%; no homozygotes.

Submissions (10):

International Society for Gastrointestinal Hereditary Tumours (InSiGHT)
Classification: Likely benign for Lynch Syndrome. Last evaluated: 2013-09-05. Review status: reviewed by expert panel. Criteria: Guidelines v1.9. Collection method: research. Allele origin: germline.
Comment: Multifactorial likelihood analysis posterior probability 0.001-0.049

Classified with v1.9 guidelines

Women's Health and Genetics/Laboratory Corporation of America, LabCorp
Classification: Uncertain significance. Last evaluated: 2026-06-23. Review status: criteria provided, single submitter. Criteria: LabCorp Variant Classification Summary - May 2015. Collection method: clinical testing. Allele origin: germline. Not counted in ClinVar's aggregate classification.
Comment: Variant summary: MSH6 c.241G>A (p.Ala81Thr) results in a non-conservative amino acid change in the encoded protein sequence. Algorithms developed to predict the effect of missense changes on protein structure and function are either unavailable or do not agree on the potential impact of this missense change. The frequency data for this variant in gnomAD is considered unreliable, as metrics indicate poor data quality at this position. To our knowledge, no occurrence of c.241G>A in individuals affected with MSH6-related conditions has been reported. At least one publication reports experimental evidence evaluating an impact on protein function (Drost_2020). These results showed no damaging effect of this variant. The following publication has been ascertained in the context of this evaluation (PMID: 31965077). ClinVar contains an entry for this variant (Variation ID: 89282). Based on the evidence outlined above, the variant was classified as uncertain significance.

Labcorp Genetics (formerly Invitae), Labcorp
Classification: Likely benign for Hereditary nonpolyposis colorectal neoplasms. Last evaluated: 2026-01-26. Review status: criteria provided, single submitter. Criteria: Invitae Variant Classification Sherloc (09022015). Collection method: clinical testing. Allele origin: germline. Not counted in ClinVar's aggregate classification.

Center for Genomic Medicine, Rigshospitalet, Copenhagen University Hospital
Classification: Likely benign. Last evaluated: 2025-12-29. Review status: criteria provided, single submitter. Criteria: ACMG Guidelines, 2015. Collection method: clinical testing. Allele origin: germline. Not counted in ClinVar's aggregate classification.

Dasa
Classification: Likely benign. Last evaluated: 2025-11-10. Review status: criteria provided, single submitter. Criteria: DASA Assertion Criteria. Collection method: clinical testing. Allele origin: germline. Not counted in ClinVar's aggregate classification.
Comment: NM_000179.3(MSH6):c.241G>A (p.Ala81Thr) is interpreted based on available population and clinical evidence, including population frequency and no convincing observation in affected individuals. Based on the available data, this variant is classified as likely benign.

CeGaT Center for Human Genetics Tuebingen
Classification: Uncertain significance. Last evaluated: 2025-08-01. Review status: criteria provided, single submitter. Criteria: CeGaT Center For Human Genetics Tuebingen Variant Classification Criteria Version 2. Collection method: clinical testing. Allele origin: germline. Affected: yes. Observed: 2 variant alleles. Not counted in ClinVar's aggregate classification.
Comment: MSH6: PP3, BS3:Supporting

Color Diagnostics, LLC DBA Color Health
Classification: Likely benign for Hereditary cancer-predisposing syndrome. Last evaluated: 2024-10-10. Review status: criteria provided, single submitter. Criteria: ACMG Guidelines, 2015. Collection method: clinical testing. Allele origin: germline. Not counted in ClinVar's aggregate classification.

All of Us Research Program, National Institutes of Health
Classification: Benign for Lynch syndrome. Last evaluated: 2023-12-13. Review status: criteria provided, single submitter. Criteria: ACMG Guidelines, 2015. Collection method: clinical testing. Allele origin: germline. Inheritance: Autosomal dominant inheritance. Observed: 5 variant alleles, 5 heterozygotes. Not counted in ClinVar's aggregate classification.
Comment: This study involves interpretation of variants in research participants for the purpose of population health screening. Participant phenotype was not available at the time of variant classification. Additional details can be found in publication PMID: 35346344, PMCID: PMC8962531

GeneDx
Classification: Uncertain significance. Last evaluated: 2019-08-27. Review status: criteria provided, single submitter. Criteria: GeneDx Variant Classification Process June 2021. Collection method: clinical testing. Allele origin: germline. Affected: yes. Not counted in ClinVar's aggregate classification.
Comment: Not observed at a significant frequency in large population cohorts (Lek 2016); While protein-based in silico analysis supports that this variant does not alter protein structure/function, splice predictors suggest this variant may impact gene splicing. In the absence of RNA or functional studies, the actual effect of this sequence change is unknown.; Has not been previously published as pathogenic or benign to our knowledge; Variant reported as benign or likely benign by a well-established clinical consortium and/or database (Thompson 2014); This variant is associated with the following publications: (PMID: 23104009, 26552419, 23621914, 22290698, 30212499)

Ambry Genetics
Classification: Likely benign for Hereditary cancer-predisposing syndrome. Last evaluated: 2018-12-24. Review status: criteria provided, single submitter. Criteria: Ambry Variant Classification Scheme 2023. Collection method: clinical testing. Allele origin: germline. Not counted in ClinVar's aggregate classification.

Literature cited by the submitters: PubMed 31965077 (cited by Women's Health and Genetics/Laboratory Corporation of America, LabCorp).

NM_000179.3(MSH6):c.241G>A (p.Ala81Thr)

Gene: MSH6 (mutS homolog 6; plus strand). Cytogenetic location: 2p16.3.
Variant type: single nucleotide variant.
Coding change: c.241G>A on transcript NM_000179.3 (MANE Select); coding-DNA position 241, G replaced by A.
Protein change: p.Ala81Thr; replaces alanine 81 with threonine.
Molecular consequence: missense variant. On other transcripts: 5 prime UTR variant (1), intron variant (1).
Genome position (GRCh38, 1-based): chr2:47,783,474, G>A. VCF-style: chr2-47783474-G-A. GRCh37 (hg19) VCF-style: chr2-48010613-G-A.
Other names: c.-496G>A (NM_001281493.2); c.237+4G>A (NM_001281492.2); short protein forms A81T.
Identifiers: ClinVar variation 89282 (VCV000089282.67), dbSNP rs587779239, ClinGen allele CA010236.